The following is an entry in ClinVar:

ClinVar aggregate classification (germline): Uncertain significance. Review status: criteria provided, multiple submitters, no conflicts (2 of 4 stars). 7 submissions from 7 submitters: Uncertain significance (7). Last evaluated 2026-04-04.

Conditions:
TTN-related disorder. Also called: TTN-related condition; TTN-related disease; TTN-related disorders.
Dilated cardiomyopathy 1G (CMD1G). Identifiers: Orphanet 154, MedGen C1858763, MONDO:0011400, OMIM 604145.
Autosomal recessive limb-girdle muscular dystrophy type 2J (LGMDR10). Also called: Limb-girdle muscular dystrophy, type 2J; MUSCULAR DYSTROPHY, LIMB-GIRDLE, AUTOSOMAL RECESSIVE 10. Identifiers: Orphanet 140922, MedGen C1837342, MONDO:0012127, OMIM 608807.
Hypertrophic cardiomyopathy 9. Also called: Familial hypertrophic cardiomyopathy 9. Identifiers: MedGen C1861065, MONDO:0013412, OMIM 613765.

Allele frequency attached by ClinVar (database versions not stated): gnomAD exomes 0.00001 and 0.00004; ExAC 0.00002; gnomAD 0.00003; TOPMed 0.00005; ESP Exome Variant Server 0.00025.
gnomAD v4.1: 62 of 1,613,452 alleles (0.0038%); highest among the groups gnomAD compares: Non-Finnish European, 0.005%; no homozygotes.

Submissions (7):

PreventionGenetics, part of Exact Sciences
Classification: Uncertain significance for TTN-related condition. Last evaluated: 2026-04-04. Review status: criteria provided, single submitter. Criteria: ACMG Guidelines, 2015. Collection method: clinical testing. Allele origin: germline.
Comment: The TTN c.78323A>G variant is predicted to result in the amino acid substitution p.Gln26108Arg. To our knowledge, this variant has not been reported in the literature. This variant is reported in 0.0031% of alleles in individuals of European (Non-Finnish) descent in gnomAD. At this time, the clinical significance of this variant is uncertain due to the absence of conclusive functional and genetic evidence.

Mayo Clinic Laboratories, Mayo Clinic
Classification: Uncertain significance. Last evaluated: 2025-10-21. Review status: criteria provided, single submitter. Criteria: ACMG Guidelines, 2015. Collection method: clinical testing. Allele origin: germline. Observed: 1 variant allele.
Comment: BP4_moderate

GeneDx
Classification: Uncertain significance. Last evaluated: 2025-05-27. Review status: criteria provided, single submitter. Criteria: GeneDx Variant Classification Process June 2021. Collection method: clinical testing. Allele origin: germline. Affected: yes.
Comment: Not observed at significant frequency in large population cohorts (gnomAD); Missense variant in a gene in which most reported pathogenic variants are truncating/loss-of-function; Has not been previously published as pathogenic or benign to our knowledge

New York Genome Center
Classification: Uncertain significance for Dilated cardiomyopathy 1G; Hypertrophic cardiomyopathy 9. Last evaluated: 2022-12-20. Review status: criteria provided, single submitter. Criteria: NYGC Assertion Criteria 2020. Collection method: clinical testing. Allele origin: germline. Observed: 1 variant allele.

Revvity Omics, Revvity
Classification: Uncertain significance. Last evaluated: 2019-02-13. Review status: criteria provided, single submitter. Criteria: ACMG Guidelines, 2015. Collection method: clinical testing. Allele origin: germline.

Eurofins Ntd Llc (ga)
Classification: Uncertain significance. Last evaluated: 2017-01-06. Review status: criteria provided, single submitter. Criteria: EGL Classification Definitions 2015. Collection method: clinical testing. Allele origin: germline. Observed: 3 variant alleles, 3 heterozygotes.

Labcorp Genetics (formerly Invitae), Labcorp
Classification: Uncertain significance for Dilated cardiomyopathy 1G; Autosomal recessive limb-girdle muscular dystrophy type 2J. Last evaluated: 2016-08-16. Review status: criteria provided, single submitter. Criteria: Invitae Variant Classification Sherloc (09022015). Collection method: clinical testing. Allele origin: germline.

NM_001267550.2(TTN):c.78323A>G (p.Gln26108Arg)

Genes: TTN (titin; minus strand), TTN-AS1 (TTN antisense RNA 1; plus strand). Cytogenetic location: 2q31.2.
Variant type: single nucleotide variant.
Coding change: c.78323A>G on transcript NM_001267550.2 (MANE Select); coding-DNA position 78323, A replaced by G.
Protein change: p.Gln26108Arg; replaces glutamine 26108 with arginine.
Molecular consequence: missense variant.
Genome position (GRCh38, 1-based): chr2:178,567,809, T>C on the plus strand (A>G on the coding strand, the complement: TTN is on the minus strand). VCF-style: chr2-178567809-T-C. GRCh37 (hg19) VCF-style: chr2-179432536-T-C.
Other names: p.Q23540R:CAG>CGG; p.Gln23540Arg; c.78323A>G (NM_001267550.1); c.73400A>G, p.Gln24467Arg (NM_001256850.1); c.51128A>G, p.Gln17043Arg (NM_003319.4); c.70619A>G, p.Gln23540Arg (NM_133378.4); c.51503A>G, p.Gln17168Arg (NM_133432.3); c.51704A>G, p.Gln17235Arg (NM_133437.4); short protein forms Q23540R, Q26108R, Q24467R, Q17235R, Q17043R, Q17168R.
Identifiers: ClinVar variation 202887 (VCV000202887.14), dbSNP rs370963021, ClinGen allele CA310593.